The following is an entry in ClinVar:

ClinVar aggregate classification (germline): Pathogenic (1 of 4 stars; one submission).

Conditions:
Microcephaly, short stature, and limb abnormalities. Identifiers: Orphanet 572773, MedGen C4539873, MONDO:0060533, OMIM 617604.

Submission:

Illumina Laboratory Services, Illumina
Classification: Pathogenic for Microcephaly, short stature, and limb abnormalities. Last evaluated: 2023-05-05. Review status: criteria provided, single submitter. Criteria: ICSLVariantClassificationCriteria RUGD 01 April 2020. Collection method: clinical testing. Allele origin: unknown.
Comment: The DONSON c.129_144dup (p.Leu49GlyfsTer69) variant causes a shift in the protein reading frame that is predicted to result in premature termination of the protein. Loss of normal protein function through either protein truncation or nonsense-mediated mRNA decay is expected. To our knowledge, this variant has not been reported in the peer-reviewed literature. This variant is not observed in version 2.1.1 or version 3.1.2 of the Genome Aggregation Database. Based on the available evidence, the c.129_144dup (p.Leu49GlyfsTer69) variant is classified as pathogenic for microcephaly, short stature, and limb abnormalities.

NM_017613.4(DONSON):c.129_144dup (p.Leu49fs)

Gene: DONSON (DNA replication fork stabilization factor DONSON; minus strand). Cytogenetic location: 21q22.11.
Variant type: Duplication.
Coding change: c.129_144dup on transcript NM_017613.4 (MANE Select); coding-DNA positions 129 to 144, 16 bases duplicated (GGCCCGCCGAGCCGCC).
Protein change: p.Leu49fs; shifts the reading frame from leucine 49.
Molecular consequence: frameshift variant.
Genome position (GRCh38, 1-based): chr21:33,588,498-33,588,513, GGCGGCTCGGCGGGCC duplicated on the plus strand (GGCCCGCCGAGCCGCC on the coding strand, the reverse complement: DONSON is on the minus strand); duplicating any 16 consecutive bases within chr21:33,588,498-33,588,514 gives the same sequence; the c. name uses the placement nearest the transcript's 3' end. VCF-style (leftmost placement, unchanged base first): chr21-33588497-G-GGGCGGCTCGGCGGGCC. GRCh37 (hg19) VCF-style: chr21-34960803-G-GGGCGGCTCGGCGGGCC.
Other names: short protein forms L49fs.
Identifiers: ClinVar variation 2572996 (VCV002572996.1), dbSNP rs2517484685, ClinGen allele CA2580616381.